The following is an entry in ClinVar:

NM_001457.4(FLNB):c.7749G>A (p.Leu2583=)

Gene: FLNB (filamin B; plus strand). Cytogenetic location: 3p14.3.
Variant type: single nucleotide variant.
Coding change: c.7749G>A on transcript NM_001457.4 (MANE Select); coding-DNA position 7749, G replaced by A.
Protein change: p.Leu2583=; no amino-acid change (leucine 2583 retained).
Molecular consequence: synonymous variant.
Genome position (GRCh38, 1-based): chr3:58,170,702, G>A. VCF-style: chr3-58170702-G-A. GRCh37 (hg19) VCF-style: chr3-58156429-G-A.
Other names: c.7842G>A, p.Leu2614= (NM_001164317.2); c.7716G>A, p.Leu2572= (NM_001164318.2); c.7677G>A, p.Leu2559= (NM_001164319.2).
Identifiers: ClinVar variation 346368 (VCV000346368.29), dbSNP rs535252967, ClinGen allele CA2469783.

ClinVar aggregate classification (germline): Benign/Likely benign. Review status: criteria provided, multiple submitters, no conflicts (2 of 4 stars). 5 submissions from 5 submitters: Benign (1); Likely benign (3). 1 of the submissions does not count toward it. Last evaluated 2025-12-22.

Conditions:
FLNB-related disorder. Also called: FLNB-related condition; FLNB-related disorders. Identifiers: MedGen CN381095.
FLNB-Related Spectrum Disorders.

Allele frequency attached by ClinVar (database versions not stated): gnomAD 0.00002 and 0.00013; TOPMed 0.00003; gnomAD exomes 0.00015 and 0.00039; ExAC 0.00051; 1000 Genomes Project 30x 0.00062; 1000 Genomes Project 0.00080.
gnomAD v4.1: 236 of 1,614,154 alleles (0.015%); highest among the groups gnomAD compares: South Asian, 0.24%; 3 homozygotes.

Submissions (5):

Labcorp Genetics (formerly Invitae), Labcorp
Classification: Benign. Last evaluated: 2025-12-22. Review status: criteria provided, single submitter. Criteria: Invitae Variant Classification Sherloc (09022015). Collection method: clinical testing. Allele origin: germline.

CeGaT Center for Human Genetics Tuebingen
Classification: Likely benign. Last evaluated: 2025-08-01. Review status: criteria provided, single submitter. Criteria: CeGaT Center For Human Genetics Tuebingen Variant Classification Criteria Version 2. Collection method: clinical testing. Allele origin: germline. Affected: yes. Observed: 2 variant alleles.
Comment: FLNB: BP4, BP7

Blueprint Genetics
Classification: Likely benign. Last evaluated: 2024-01-30. Review status: criteria provided, single submitter. Criteria: ACMG Guidelines, 2015. Collection method: clinical testing. Allele origin: germline.

Illumina Laboratory Services, Illumina
Classification: Likely benign for FLNB-Related Spectrum Disorders. Last evaluated: 2018-01-12. Review status: criteria provided, single submitter. Criteria: ICSL Variant Classification Criteria 13 December 2019. Collection method: clinical testing. Allele origin: germline.
Comment: This variant was observed in the ICSL laboratory as part of a predisposition screen in an ostensibly healthy population. It had not been previously curated by ICSL or reported in the Human Gene Mutation Database (HGMD: prior to June 1st, 2018), and was therefore a candidate for classification through an automated scoring system. Utilizing variant allele frequency, disease prevalence and penetrance estimates, and inheritance mode, an automated score was calculated to assess if this variant is too frequent to cause the disease. Based on the score and internal cut-off values, a variant classified as likely benign is not then subjected to further curation. The score for this variant resulted in a classification of likely benign for this disease.

PreventionGenetics, part of Exact Sciences
Classification: Likely benign for FLNB-related condition. Last evaluated: 2019-04-15. Review status: no assertion criteria provided. Collection method: clinical testing. Allele origin: germline. Not counted in ClinVar's aggregate classification.
Comment: This variant is classified as likely benign based on ACMG/AMP sequence variant interpretation guidelines (Richards et al. 2015 PMID: 25741868, with internal and published modifications).